The following is an entry in ClinVar:

ClinVar aggregate classification (germline): Conflicting classifications of pathogenicity. Review status: criteria provided, conflicting classifications (1 of 4 stars). 2 submissions from 2 submitters: Uncertain significance (1); Likely benign (1). Last evaluated 2024-07-16.

Conditions:
Neurofibromatosis, type 1 (NF1). Also called: VON RECKLINGHAUSEN DISEASE; Peripheral type neurofibromatosis; Neurofibromatosis, type I; NEUROFIBROMATOSIS, TYPE I, SOMATIC. Identifiers: Orphanet 636, MedGen C0027831, MONDO:0018975, OMIM 162200. Disease mechanism: loss of function.
Cardiovascular phenotype. Identifiers: MedGen CN230736.
Hereditary cancer-predisposing syndrome. Also called: Hereditary Cancer Syndrome; Neoplastic Syndromes, Hereditary; Hereditary neoplastic syndrome; Tumor predisposition. Identifiers: Orphanet 140162, MedGen C0027672, MeSH D009386, MONDO:0015356.

Submissions (2):

Ambry Genetics
Classification: Likely benign for Cardiovascular phenotype; Hereditary cancer-predisposing syndrome. Last evaluated: 2024-07-16. Review status: criteria provided, single submitter. Criteria: Ambry Variant Classification Scheme 2023. Collection method: clinical testing. Allele origin: germline.

Labcorp Genetics (formerly Invitae), Labcorp
Classification: Uncertain significance for Neurofibromatosis, type 1. Last evaluated: 2022-06-03. Review status: criteria provided, single submitter. Criteria: Invitae Variant Classification Sherloc (09022015). Collection method: clinical testing. Allele origin: germline.
Comment: This variant is not present in population databases (gnomAD no frequency). This sequence change replaces alanine, which is neutral and non-polar, with threonine, which is neutral and polar, at codon 565 of the NF1 protein (p.Ala565Thr). In summary, the available evidence is currently insufficient to determine the role of this variant in disease. Therefore, it has been classified as a Variant of Uncertain Significance. Advanced modeling of protein sequence and biophysical properties (such as structural, functional, and spatial information, amino acid conservation, physicochemical variation, residue mobility, and thermodynamic stability) performed at Invitae indicates that this missense variant is not expected to disrupt NF1 protein function. This variant has not been reported in the literature in individuals affected with NF1-related conditions.

NM_001042492.3(NF1):c.1693G>A (p.Ala565Thr)

Gene: NF1 (neurofibromin 1; plus strand). Cytogenetic location: 17q11.2.
Variant type: single nucleotide variant.
Coding change: c.1693G>A on transcript NM_001042492.3 (MANE Select); coding-DNA position 1693, G replaced by A.
Protein change: p.Ala565Thr; replaces alanine 565 with threonine.
Molecular consequence: missense variant.
Genome position (GRCh38, 1-based): chr17:31,221,901, G>A. VCF-style: chr17-31221901-G-A. GRCh37 (hg19) VCF-style: chr17-29548919-G-A.
Other names: c.1693G>A, p.Ala565Thr (NM_000267.4, NM_001128147.3); short protein forms A565T.
Identifiers: ClinVar variation 1985820 (VCV001985820.5), dbSNP rs2144004547, ClinGen allele CA399002323.
Genomic context (GRCh38, chr17:31,221,901, plus strand): 5'-AAAATTCAGGCTCTGCTGGTTCTTCATCAGTTAGATAGCATTGATTTGTGGAATCCTGAT[G>A]CTCCTGTAGAAACATTTTGGGAGATTAGGTATATGTACTTTTATTTTTTAAATTCAACTT-3'
Protein context (NP_001035957.1, residues 555-575): LDSIDLWNPD[Ala565Thr]PVETFWEISS